The following is an entry in ClinVar:

NM_001282531.3(ADNP):c.2157del (p.Thr718_Tyr719insTer)

Gene: ADNP (activity dependent neuroprotector homeobox; minus strand). Cytogenetic location: 20q13.13.
Variant type: Deletion.
Coding change: c.2157del on transcript NM_001282531.3 (MANE Select); coding-DNA position 2157, one base deleted (C; older notation c.2157delC).
Protein change: p.Thr718_Tyr719insTer.
Molecular consequence: nonsense.
Genome position (GRCh38, 1-based): chr20:50,892,557, G deleted on the plus strand (C on the coding strand, the reverse complement: ADNP is on the minus strand). VCF-style (leftmost placement, unchanged base first): chr20-50892556-CG-C. GRCh37 (hg19) VCF-style: chr20-49509093-CG-C.
Other names: c.2157del (NM_015339.2); c.2157del, p.Thr718_Tyr719insTer (NM_001282532.2, NM_001347511.2, NM_015339.5 and 1 more transcripts).
Identifiers: ClinVar variation 800950 (VCV000800950.3), dbSNP rs1600930164, ClinGen allele CA915951971.
Genomic context (GRCh38, chr20:50,892,556, plus strand): 5'-TGGGTGAATCACTATCATCATCTAACTTTCGTTTTTTCAGTAAGGGAAATTCCATTTGCT[CG>C]TAAGTGCGCTTCACAGGTGCCAGACTTGGAGACTGATTAAGCCGAGAGGGTGCATTTGTC-3'

ClinVar aggregate classification (germline): Pathogenic. Review status: criteria provided, multiple submitters, no conflicts (2 of 4 stars). 3 submissions from 3 submitters: Pathogenic (2). 1 of the submissions does not count toward it. Last evaluated 2024-10-07.

Conditions:
ADNP-related disorder. Also called: ADNP-related condition.
ADNP-related multiple congenital anomalies - intellectual disability - autism spectrum disorder. Also called: ADNP-Related Helsmoortel-Van der Aa Syndrome; Helsmoortel-Van der Aa Syndrome. Identifiers: Orphanet 404448, MedGen C4014538, MONDO:0014379, OMIM 615873. Disease mechanism: loss of function.

Submissions (3):

Institute of Human Genetics, Clinical Exome/Genome Diagnostics Group, University Hospital Bonn
Classification: Pathogenic for ADNP-Related Disorder. Last evaluated: 2024-10-07. Review status: criteria provided, single submitter. Criteria: ACMG Guidelines, 2015. Collection method: clinical testing. Allele origin: germline. Affected: yes.

GeneDx
Classification: Pathogenic. Last evaluated: 2023-12-22. Review status: criteria provided, single submitter. Criteria: GeneDx Variant Classification Process June 2021. Collection method: clinical testing. Allele origin: germline. Affected: yes.
Comment: Nonsense variant predicted to result in protein truncation or nonsense mediated decay in a gene for which loss of function is a known mechanism of disease; Not observed at significant frequency in large population cohorts (gnomAD); This variant is associated with the following publications: (PMID: 35904121, 29475819, 28454995, 35322241, 28579975)

Biochemical Molecular Genetic Laboratory, King Abdulaziz Medical City
Classification: Likely pathogenic for ADNP-related multiple congenital anomalies - intellectual disability - autism spectrum disorder. Last evaluated: 2019-09-26. Review status: no assertion criteria provided. Collection method: clinical testing. Allele origin: germline. Affected: yes. Not counted in ClinVar's aggregate classification.